The following is an entry in ClinVar:

ClinVar aggregate classification (germline): Uncertain significance (1 of 4 stars; one submission).

Conditions:
Predisposition to invasive fungal disease due to CARD9 deficiency (IMD103). Also called: Candidiasis, familial, 2, autosomal recessive; CARD9 IMMUNODEFICIENCY; IMMUNODEFICIENCY 103, SUSCEPTIBILITY TO FUNGAL INFECTIONS. Identifiers: Orphanet 457088, MedGen C1859353, MONDO:0008905, OMIM 212050.

Submission:

Labcorp Genetics (formerly Invitae), Labcorp
Classification: Uncertain significance for Predisposition to invasive fungal disease due to CARD9 deficiency. Last evaluated: 2022-08-16. Review status: criteria provided, single submitter. Criteria: Invitae Variant Classification Sherloc (09022015). Collection method: clinical testing. Allele origin: germline.
Comment: ClinVar contains an entry for this variant (Variation ID: 939222). This sequence change replaces aspartic acid, which is acidic and polar, with glutamic acid, which is acidic and polar, at codon 479 of the CARD9 protein (p.Asp479Glu). This variant is not present in population databases (gnomAD no frequency). This variant has not been reported in the literature in individuals affected with CARD9-related conditions. Algorithms developed to predict the effect of missense changes on protein structure and function (SIFT, PolyPhen-2, Align-GVGD) all suggest that this variant is likely to be tolerated. Algorithms developed to predict the effect of sequence changes on RNA splicing suggest that this variant may create or strengthen a splice site. In summary, the available evidence is currently insufficient to determine the role of this variant in disease. Therefore, it has been classified as a Variant of Uncertain Significance.

NM_052813.5(CARD9):c.1437C>A (p.Asp479Glu)

Gene: CARD9 (caspase recruitment domain family member 9; minus strand). Cytogenetic location: 9q34.3.
Variant type: single nucleotide variant.
Coding change: c.1437C>A on transcript NM_052813.5 (MANE Select); coding-DNA position 1437, C replaced by A.
Protein change: p.Asp479Glu; replaces aspartic acid 479 with glutamic acid.
Molecular consequence: missense variant.
Genome position (GRCh38, 1-based): chr9:136,364,557, G>T on the plus strand (C>A on the coding strand, the complement: CARD9 is on the minus strand). VCF-style: chr9-136364557-G-T. GRCh37 (hg19) VCF-style: chr9-139259009-G-T.
Other names: c.1437C>A, p.Asp479Glu (NM_052814.4); short protein forms D479E.
Identifiers: ClinVar variation 939222 (VCV000939222.10), dbSNP rs1406534280, ClinGen allele CA375541614.